The following is an entry in ClinVar:

ClinVar aggregate classification (germline): Conflicting classifications of pathogenicity. Review status: criteria provided, conflicting classifications (1 of 4 stars). 10 submissions from 10 submitters: Pathogenic (5); Likely pathogenic (2); Uncertain significance (2). 1 of the submissions does not count toward it. Last evaluated 2026-04-23.

Conditions:
Autosomal dominant Alport syndrome (ATS3A). Also called: Alport syndrome dominant type; Renal failure and sensorineural hearing loss; ALPORT SYNDROME 3A, AUTOSOMAL DOMINANT. Identifiers: Orphanet 63, Orphanet 88918, MedGen C5882663, MONDO:0007086, OMIM 104200.
Hematuria, benign familial, 2 (BFH2). Identifiers: MedGen C5830421, MONDO:0958186, OMIM 620320.
Alport syndrome 3b, autosomal recessive. Identifiers: MedGen C5882699, MONDO:0957811, OMIM 620536.
COL4A3-related disorder. Also called: COL4A3-Related Disorders; COL4A3-related condition.
Inborn genetic diseases. Identifiers: MedGen C0950123, MeSH D030342.
Alport syndrome. Also called: Hemorrhagic familial nephritis; Hemorrhagic hereditary nephritis; Congenital hereditary hematuria. Identifiers: Orphanet 63, MedGen C1567741, MONDO:0018965.
Autosomal recessive Alport syndrome (ATS2). Also called: ALPORT SYNDROME 2, AUTOSOMAL RECESSIVE; COL4A4 Alport Syndrome and Thin Basement Membrane Nephropathy; COL4A3-Related Nephropathy; Alport syndrome type 2. Identifiers: Orphanet 63, Orphanet 88919, MedGen C4746745, MONDO:0008762, OMIM 203780.

Allele frequency attached by ClinVar (database versions not stated): gnomAD exomes 0.00001; ExAC 0.00002; gnomAD 0.00005; TOPMed 0.00012; 1000 Genomes Project 30x 0.00016; 1000 Genomes Project 0.00020.
gnomAD v4.1: 21 of 1,613,312 alleles (0.0013%); highest among the groups gnomAD compares: Admixed American, 0.023%; no homozygotes.

Submissions (10):

Ambry Genetics
Classification: Uncertain significance for Inborn genetic diseases. Last evaluated: 2026-04-23. Review status: criteria provided, single submitter. Criteria: Ambry Variant Classification Scheme 2023. Collection method: clinical testing. Allele origin: germline.
Comment: The c.1096G>A (p.G366R) alteration is located in exon 19 (coding exon 19) of the COL4A3 gene. This alteration results from a G to A substitution at nucleotide position 1096, causing the glycine (G) at amino acid position 366 to be replaced by an arginine (R). Based on data from gnomAD, this allele has an overall frequency of 0.001% (3/249394) total alleles studied. The highest observed frequency was 0.006% (2/34508) of Latino alleles. This variant was reported in the heterozygous state in individual(s) with chronic kidney disease or glomerulopathy (Groopman, 2019; Garc&iacute;a-Aznar, 2022; Blasco, 2024). This amino acid position is highly conserved in available vertebrate species. The p.G366R amino acid is located within the triple-helical domain of the collagen IV &alpha; chain, and affects one of the highly conserved glycine residues in the Gly-X-Y motif that make up this domain (Ramshaw, 1998). This alteration is predicted to be deleterious by in silico analysis. Based on insufficient or conflicting evidence, the clinical significance of this alteration remains unclear.

PreventionGenetics, part of Exact Sciences
Classification: Likely pathogenic for COL4A3-related condition. Last evaluated: 2026-01-27. Review status: criteria provided, single submitter. Criteria: ACMG Guidelines, 2015. Collection method: clinical testing. Allele origin: germline.
Comment: The COL4A3 c.1096G>A variant is predicted to result in the amino acid substitution p.Gly366Arg. This variant has been reported in individuals with COL4A3-related disorders (see for example, Table S7 in Groopman et al. 2018. PubMed ID: 30586318; García-Aznar et al. 2022. PubMed ID: 36013122). In addition, this variant has been observed in multiple other individuals sent for Alport syndrome or focal segmental glomerulosclerosis testing (internal database). The p.Gly366 residue is located in the conserved triple helical domain, where substitutions of the glycine are usually pathogenic (Hudson et al. 1993. PubMed ID: 8253711). This variant is reported in 0.0058% of alleles in individuals of Latino descent in gnomAD. This variant is interpreted as likely pathogenic.

Labcorp Genetics (formerly Invitae), Labcorp
Classification: Pathogenic. Last evaluated: 2025-12-30. Review status: criteria provided, single submitter. Criteria: Invitae Variant Classification Sherloc (09022015). Collection method: clinical testing. Allele origin: germline.
Comment: This sequence change replaces glycine, which is neutral and non-polar, with arginine, which is basic and polar, at codon 366 of the COL4A3 protein (p.Gly366Arg). This variant is present in population databases (rs539765620, gnomAD 0.006%). This missense change has been observed in individual(s) with Alport syndrome (internal data). In at least one individual the data is consistent with being in trans (on the opposite chromosome) from a pathogenic variant. ClinVar contains an entry for this variant (Variation ID: 562384). Invitae Evidence Modeling of protein sequence and biophysical properties (such as structural, functional, and spatial information, amino acid conservation, physicochemical variation, residue mobility, and thermodynamic stability) has been performed for this missense variant. However, the output from this modeling did not meet the statistical confidence thresholds required to predict the impact of this variant on COL4A3 protein function. For these reasons, this variant has been classified as Pathogenic.

Natera, Inc.
Classification: Pathogenic for Alport syndrome. Last evaluated: 2025-09-13. Review status: criteria provided, single submitter. Criteria: Natera Variant Classification Schema (03/2026). Collection method: clinical testing. Allele origin: germline.
Comment: The c.1096G>A variant in COL4A3 is a missense variant predicted to cause substitution of glycine to arginine at amino acid 366. This variant is rare in the general population with a frequency below the threshold expected for the associated phenotype(s). This variant has been observed in affected individual(s) with monoallelic occurrence (heterozygous/hemizygous) (PMID: 38972501). This variant is located in a functionally critical region of the protein. Computational prediction algorithms indicate this variant is likely to affect gene or protein function. Given the available evidence, this variant is classified as Pathogenic.

Women's Health and Genetics/Laboratory Corporation of America, LabCorp
Classification: Pathogenic for Autosomal recessive Alport syndrome. Last evaluated: 2025-06-12. Review status: criteria provided, single submitter. Criteria: LabCorp Variant Classification Summary - May 2015. Collection method: clinical testing. Allele origin: germline.
Comment: Variant summary: COL4A3 c.1096G>A (p.Gly366Arg) results in a non-conservative amino acid change located in the Collagen triple-helical domain (PMID: 21421911) of the encoded protein sequence. Algorithms developed to predict the effect of missense changes on protein structure and function all suggest that this variant is likely to be disruptive. The variant allele was found at a frequency of 1.2e-05 in 249394 control chromosomes. c.1096G>A has been observed in multiple individuals affected with Alport Syndrome Autosomal Recessive (internal_testing) and Alport Syndrome Autosomal dominant (Garcia-Aznar_2022, Groopman_2019). These data indicate that the variant is very likely to be associated with disease. To our knowledge, no experimental evidence demonstrating an impact on protein function has been reported. The following publications have been ascertained in the context of this evaluation (PMID: 31589614, 36013122, 30586318). ClinVar contains an entry for this variant (Variation ID: 562384). Based on the evidence outlined above, the variant was classified as pathogenic.

Fulgent Genetics
Classification: Pathogenic for Autosomal dominant Alport syndrome; Hematuria, benign familial, 2; Alport syndrome 3b, autosomal recessive. Last evaluated: 2024-03-30. Review status: criteria provided, single submitter. Criteria: ACMG Guidelines, 2015. Collection method: clinical testing. Allele origin: germline.

GeneDx
Classification: Uncertain significance. Last evaluated: 2022-09-29. Review status: criteria provided, single submitter. Criteria: GeneDx Variant Classification Process June 2021. Collection method: clinical testing. Allele origin: germline. Affected: yes.
Comment: Identified in a patient with idiopathic nephropathy and a patient with glomerulopathy in published literature (Groopman et al., 2019); Affects a glycine residue in a Gly-X-Y motif in the triple helical region of the COL4A3 gene; In silico analysis supports that this missense variant has a deleterious effect on protein structure/function; This variant is associated with the following publications: (PMID: 31589614, 36013122, 30586318)

Athena Diagnostics
Classification: Likely pathogenic. Last evaluated: 2020-09-28. Review status: criteria provided, single submitter. Criteria: Athena Diagnostics criteria. Collection method: clinical testing. Allele origin: unknown.
Comment: The frequency of this variant in the general population is consistent with pathogenicity. The majority of the pathogenic variants in this gene involve the substitution of a glycine residue in the triple-helix domain, resulting in disruption of protein function (PMID: 29632050, 21421911, 19344236).

Clinical Genetics Service, Universitary Hospital 12 de Octubre
Classification: Pathogenic for Autosomal dominant Alport syndrome. Review status: criteria provided, single submitter. Criteria: ACMG Guidelines, 2015. Collection method: clinical testing. Allele origin: germline. Affected: yes.

Gharavi Laboratory, Columbia University
Classification: Likely pathogenic. Last evaluated: 2018-09-16. Review status: no assertion criteria provided. Criteria: ACMG Guidelines, 2015. Collection method: research. Allele origin: germline. Affected: yes. Not counted in ClinVar's aggregate classification.

Literature cited by the submitters: PubMed 9724608 (cited by Ambry Genetics); PubMed 30586318 (cited by Ambry Genetics and Women's Health and Genetics/Laboratory Corporation of America, LabCorp); PubMed 36013122 (cited by Ambry Genetics and Women's Health and Genetics/Laboratory Corporation of America, LabCorp); PubMed 38972501 (cited by Ambry Genetics and Natera, Inc.); PubMed 31589614 (cited by Women's Health and Genetics/Laboratory Corporation of America, LabCorp).

NM_000091.5(COL4A3):c.1096G>A (p.Gly366Arg)

Genes: COL4A3 (collagen type IV alpha 3 chain; plus strand), MFF-DT (MFF divergent transcript; minus strand). Cytogenetic location: 2q36.3.
Variant type: single nucleotide variant.
Coding change: c.1096G>A on transcript NM_000091.5 (MANE Select); coding-DNA position 1096, G replaced by A.
Protein change: p.Gly366Arg; replaces glycine 366 with arginine.
Molecular consequence: missense variant.
Genome position (GRCh38, 1-based): chr2:227,259,859, G>A. VCF-style: chr2-227259859-G-A. GRCh37 (hg19) VCF-style: chr2-228124575-G-A.
Other names: short protein forms G366R.
Identifiers: ClinVar variation 562384 (VCV000562384.19), dbSNP rs539765620, ClinGen allele CA2146520.